The following is an entry in ClinVar:

ClinVar aggregate classification (germline): Conflicting classifications of pathogenicity. Review status: criteria provided, conflicting classifications (1 of 4 stars). 3 submissions from 3 submitters: Likely pathogenic (1); Uncertain significance (1). 1 of the submissions does not count toward it. Last evaluated 2026-01-18.

Conditions:
KLHL3-related disorder. Also called: KLHL3-related condition.
Pseudohypoaldosteronism type 2A (PHA2A). Also called: GORDON HYPERKALEMIA-HYPERTENSION SYNDROME; HYPERTENSIVE HYPERKALEMIA, FAMILIAL. Identifiers: Orphanet 757, Orphanet 88938, MedGen C1840389, MONDO:0007772, OMIM 145260.

Allele frequency attached by ClinVar (database versions not stated): gnomAD exomes below 0.00001 and 0.00001; TOPMed 0.00001; ExAC 0.00002; gnomAD 0.00002.
gnomAD v4.1: 9 of 1,614,016 alleles (0.00056%); highest among the groups gnomAD compares: African/African-American, 0.0053%; no homozygotes.

Submissions (3):

Labcorp Genetics (formerly Invitae), Labcorp
Classification: Uncertain significance. Last evaluated: 2026-01-18. Review status: criteria provided, single submitter. Criteria: Invitae Variant Classification Sherloc (09022015). Collection method: clinical testing. Allele origin: germline.
Comment: This sequence change replaces arginine, which is basic and polar, with glutamine, which is neutral and polar, at codon 384 of the KLHL3 protein (p.Arg384Gln). This variant is present in population databases (rs199469629, gnomAD 0.007%). This missense change has been observed in individual(s) with autosomal dominant pseudohypoaldosteronism type II (PMID: 22266938). ClinVar contains an entry for this variant (Variation ID: 100544). Invitae Evidence Modeling of protein sequence and biophysical properties (such as structural, functional, and spatial information, amino acid conservation, physicochemical variation, residue mobility, and thermodynamic stability) indicates that this missense variant is expected to disrupt KLHL3 protein function with a positive predictive value of 80%. Experimental studies have shown that this missense change affects KLHL3 function (PMID: 23387299, 30931564). In summary, the available evidence is currently insufficient to determine the role of this variant in disease. Therefore, it has been classified as a Variant of Uncertain Significance.

Blueprint Genetics
Classification: Likely pathogenic for KLHL3-related disorders. Last evaluated: 2023-09-13. Review status: criteria provided, single submitter. Criteria: ACMG Guidelines, 2015. Collection method: clinical testing. Allele origin: germline. Affected: yes. Observed: 1 variant allele.

Richard Lifton Laboratory, Yale University School of Medicine
Classification: Pathogenic for Pseudohypoaldosteronism, type 2. Review status: no assertion criteria provided. Collection method: not provided. Allele origin: germline. Not counted in ClinVar's aggregate classification.
Comment: dominant;Kelch propeller domain
ClinVar note: Converted during submission from pathogenic to Pathogenic.

Literature cited by the submitters: PubMed 22266938 (cited by Labcorp Genetics (formerly Invitae), Labcorp); PubMed 23387299 (cited by Labcorp Genetics (formerly Invitae), Labcorp); PubMed 30931564 (cited by Labcorp Genetics (formerly Invitae), Labcorp).

NM_017415.3(KLHL3):c.1151G>A (p.Arg384Gln)

Gene: KLHL3 (kelch like family member 3; minus strand). Cytogenetic location: 5q31.2.
Variant type: single nucleotide variant.
Coding change: c.1151G>A on transcript NM_017415.3 (MANE Select); coding-DNA position 1151, G replaced by A.
Protein change: p.Arg384Gln; replaces arginine 384 with glutamine.
Molecular consequence: missense variant.
Genome position (GRCh38, 1-based): chr5:137,639,021, C>T on the plus strand (G>A on the coding strand, the complement: KLHL3 is on the minus strand). VCF-style: chr5-137639021-C-T. GRCh37 (hg19) VCF-style: chr5-136974710-C-T.
Other names: c.1055G>A, p.Arg352Gln (NM_001257194.1); c.905G>A, p.Arg302Gln (NM_001257195.2); short protein forms R384Q, R302Q, R352Q.
Identifiers: ClinVar variation 100544 (VCV000100544.5), dbSNP rs199469629, ClinGen allele CA269983.